The following is an entry in ClinVar:

ClinVar aggregate classification (germline): Conflicting classifications of pathogenicity. Review status: criteria provided, conflicting classifications (1 of 4 stars). 2 submissions from 2 submitters: Pathogenic (1); Uncertain significance (1). Last evaluated 2025-12-09.

Conditions:
Seizures, benign familial infantile, 3 (BFIS3). Also called: Familial neonatal seizures; CONVULSIONS, BENIGN FAMILIAL INFANTILE, 3. Identifiers: Orphanet 140927, Orphanet 306, MedGen C1843140, MONDO:0011904, OMIM 607745.
Developmental and epileptic encephalopathy, 11 (DEE11). Also called: Early infantile epileptic encephalopathy 11. Identifiers: Orphanet 1934, MedGen C3150987, MONDO:0013388, OMIM 613721.

Submissions (2):

Labcorp Genetics (formerly Invitae), Labcorp
Classification: Uncertain significance for Seizures, benign familial infantile, 3; Developmental and epileptic encephalopathy, 11. Last evaluated: 2025-12-09. Review status: criteria provided, single submitter. Criteria: Invitae Variant Classification Sherloc (09022015). Collection method: clinical testing. Allele origin: germline.
Comment: This sequence change replaces tyrosine, which is neutral and polar, with cysteine, which is neutral and slightly polar, at codon 1450 of the SCN2A protein (p.Tyr1450Cys). This variant is not present in population databases (gnomAD no frequency). This variant has not been reported in the literature in individuals affected with SCN2A-related conditions. ClinVar contains an entry for this variant (Variation ID: 430417). Invitae Evidence Modeling of protein sequence and biophysical properties (such as structural, functional, and spatial information, amino acid conservation, physicochemical variation, residue mobility, and thermodynamic stability) indicates that this missense variant is expected to disrupt SCN2A protein function with a positive predictive value of 95%. In summary, the available evidence is currently insufficient to determine the role of this variant in disease. Therefore, it has been classified as a Variant of Uncertain Significance.

GeneDx
Classification: Pathogenic. Last evaluated: 2020-10-19. Review status: criteria provided, single submitter. Criteria: GeneDx Variant Classification Process June 2021. Collection method: clinical testing. Allele origin: germline. Affected: yes.
Comment: Not observed in large population cohorts (Lek et al., 2016); Missense variants in this gene are often considered pathogenic (Stenson et al., 2014); In silico analysis supports that this missense variant has a deleterious effect on protein structure/function; Has not been previously published as pathogenic or benign to our knowledge; This substitution is predicted to be within the transmembrane segment S6 of the third homologous domain

NM_001040142.2(SCN2A):c.4349A>G (p.Tyr1450Cys)

Gene: SCN2A (sodium voltage-gated channel alpha subunit 2; plus strand). Cytogenetic location: 2q24.3.
Variant type: single nucleotide variant.
Coding change: c.4349A>G on transcript NM_001040142.2 (MANE Select); coding-DNA position 4349, A replaced by G.
Protein change: p.Tyr1450Cys; replaces tyrosine 1450 with cysteine.
Molecular consequence: missense variant.
Genome position (GRCh38, 1-based): chr2:165,380,632, A>G. VCF-style: chr2-165380632-A-G. GRCh37 (hg19) VCF-style: chr2-166237142-A-G.
Other names: c.4349A>G, p.Tyr1450Cys (NM_001040143.2, NM_001371246.1, NM_001371247.1 and 1 more transcripts); short protein forms Y1450C.
Identifiers: ClinVar variation 430417 (VCV000430417.4), dbSNP rs1131691951, ClinGen allele CA349033788.
Genomic context (GRCh38, chr2:165,380,632, plus strand): 5'-CAATTCTTCATATTCTTTAGGTAGAATTACAACCCAAGTATGAAGACAACCTGTACATGT[A>G]TCTTTATTTTGTCATCTTTATTATTTTTGGTTCATTCTTTACCTTGAATCTTTTCATTGG-3'
Protein context (NP_001035232.1, residues 1440-1460): QPKYEDNLYM[Tyr1450Cys]LYFVIFIIFG